The following is an entry in ClinVar:

ClinVar aggregate classification (germline): Likely benign (1 of 4 stars; one submission).

Allele frequency attached by ClinVar (database versions not stated): gnomAD exomes 0.00001.
gnomAD v4.1: 3 of 1,277,310 alleles (0.00023%); highest among the groups gnomAD compares: South Asian, 0.0027%; no homozygotes.

Submission:

CeGaT Center for Human Genetics Tuebingen
Classification: Likely benign. Last evaluated: 2022-03-01. Review status: criteria provided, single submitter. Criteria: CeGaT Center For Human Genetics Tuebingen Variant Classification Criteria Version 2. Collection method: clinical testing. Allele origin: germline. Affected: yes. Observed: 1 variant allele.
Comment: UBAP1: PM2:Supporting, BP4, BP7

NM_016525.5(UBAP1):c.-174C>T

Gene: UBAP1 (ubiquitin associated protein 1; plus strand). Cytogenetic location: 9p13.3.
Variant type: single nucleotide variant.
Coding change: c.-174C>T on transcript NM_016525.5 (MANE Select); 174 bases upstream of the start codon, C replaced by T.
Molecular consequence: 5 prime UTR variant. On other transcripts: synonymous variant (2), non-coding transcript variant (1).
Genome position (GRCh38, 1-based): chr9:34,179,074, C>T. VCF-style: chr9-34179074-C-T. GRCh37 (hg19) VCF-style: chr9-34179072-C-T.
Other names: c.60C>T, p.Gly20= (NM_001171201.1, NM_001171202.1); c.-329C>T (NM_001171203.3); c.-297C>T (NM_001171204.3).
Identifiers: ClinVar variation 2659151 (VCV002659151.24), dbSNP rs993140598, ClinGen allele CA192604501.